The following is an entry in ClinVar:

ClinVar aggregate classification (germline): Uncertain significance (0 of 4 stars; one submission).

Conditions:
Overhydrated hereditary stomatocytosis. Identifiers: Orphanet 3203, MedGen C1861455, MONDO:0008493, OMIM 185000.

Submission:

Department of Hematology - Research Laboratory 1, Postgraduate Institute of Medical Education and Research
Classification: Uncertain significance for Overhydrated hereditary stomatocytosis. Last evaluated: 2017-06-27. Review status: no assertion criteria provided. Collection method: research. Allele origin: germline. Affected: yes. Observed: 1 variant allele.
Comment: NM_000324.2(RHAG):c.1007 T>C was not found in 100 alleles of unrelated hematologically normal individuals.

NM_000324.3(RHAG):c.1007T>C (p.Leu336Ser)

Gene: RHAG (Rh associated glycoprotein; minus strand). Cytogenetic location: 6p12.3.
Variant type: single nucleotide variant.
Coding change: c.1007T>C on transcript NM_000324.3 (MANE Select); coding-DNA position 1007, T replaced by C.
Protein change: p.Leu336Ser; replaces leucine 336 with serine.
Molecular consequence: missense variant.
Genome position (GRCh38, 1-based): chr6:49,611,084, A>G on the plus strand (T>C on the coding strand, the complement: RHAG is on the minus strand). VCF-style: chr6-49611084-A-G. GRCh37 (hg19) VCF-style: chr6-49578797-A-G.
Other names: short protein forms L336S.
Identifiers: ClinVar variation 438647 (VCV000438647.1), dbSNP rs1554172605, ClinGen allele CA364397505.